The following is an entry in ClinVar:

NM_001009944.3(PKD1):c.6037G>A (p.Val2013Ile)

Gene: PKD1 (polycystin 1, transient receptor potential channel interacting; minus strand). Cytogenetic location: 16p13.3.
Variant type: single nucleotide variant.
Coding change: c.6037G>A on transcript NM_001009944.3 (MANE Select); coding-DNA position 6037, G replaced by A.
Protein change: p.Val2013Ile; replaces valine 2013 with isoleucine.
Molecular consequence: missense variant.
Genome position (GRCh38, 1-based): chr16:2,109,130, C>T on the plus strand (G>A on the coding strand, the complement: PKD1 is on the minus strand). VCF-style: chr16-2109130-C-T. GRCh37 (hg19) VCF-style: chr16-2159131-C-T.
Other names: c.6037G>A, p.Val2013Ile (NM_000296.4); short protein forms V2013I.
Identifiers: ClinVar variation 4531566 (VCV004531566.1).

ClinVar aggregate classification (germline): Uncertain significance (1 of 4 stars; one submission).

Conditions:
Polycystic kidney disease, adult type (PKD1). Also called: Polycystic Kidney, Autosomal Dominant; POLYCYSTIC KIDNEY DISEASE, ADULT, TYPE I; Polycystic Kidney Disease 1, Autosomal Dominant; Polycystic kidney disease 1; Polycystic kidney disease 1, severe; POLYCYSTIC KIDNEY DISEASE 1 WITH OR WITHOUT POLYCYSTIC LIVER DISEASE. Identifiers: MedGen C3149841, MONDO:0008263, OMIM 173900.

gnomAD v4.1: 3 of 1,603,040 alleles (0.00019%); highest among the groups gnomAD compares: Non-Finnish European, 0.00026%; no homozygotes.

Submission:

Victorian Clinical Genetics Services, Murdoch Childrens Research Institute
Classification: Uncertain significance for Polycystic kidney disease, adult type. Last evaluated: 2025-07-23. Review status: criteria provided, single submitter. Criteria: ACMG Guidelines, 2015. Collection method: clinical testing. Allele origin: germline. Affected: yes.
Comment: This variant is classified as VUS-3B. Evidence in support of pathogenic classification: Variant is present in gnomAD <0.001 for a dominant condition (v4: 3 heterozygote(s), 0 homozygote(s)). Evidence in support of benign classification: Missense variant predicted to be tolerated by in silico tool(s) or not conserved in placental mammals with a minor amino acid change. Additional information: Variant is predicted to result in a missense amino acid change from valine to isoleucine; This variant is heterozygous; This gene is associated with autosomal dominant disease. Polycystic kidney disease 1 (MIM#173900) is predominantly caused by monoallelic variants, with rare reports of biallelic variants causing disease (OMIM); This variant has no previous evidence of pathogenicity; No published evidence of segregation with disease has been identified for this variant; No published functional evidence has been identified for this variant; No comparable missense variants have previous evidence for pathogenicity; Variant is located in the annotated PKD domain (DECIPHER); Loss of function is a known mechanism of disease in this gene and is associated with polycystic kidney disease 1 (MIM#173900); Inheritance information for this variant is not currently available in this individual.